The following is an entry in ClinVar:

NM_019892.6(INPP5E):c.1292A>G (p.Lys431Arg)

Gene: INPP5E (inositol polyphosphate-5-phosphatase E; minus strand). Cytogenetic location: 9q34.3.
Variant type: single nucleotide variant.
Coding change: c.1292A>G on transcript NM_019892.6 (MANE Select); coding-DNA position 1292, A replaced by G.
Protein change: p.Lys431Arg; replaces lysine 431 with arginine.
Molecular consequence: missense variant.
Genome position (GRCh38, 1-based): chr9:136,432,574, T>C on the plus strand (A>G on the coding strand, the complement: INPP5E is on the minus strand). VCF-style: chr9-136432574-T-C. GRCh37 (hg19) VCF-style: chr9-139327026-T-C.
Other names: c.1289A>G, p.Lys430Arg (NM_001318502.2); short protein forms K431R, K430R.
Identifiers: ClinVar variation 2034723 (VCV002034723.4), dbSNP rs1278728778, ClinGen allele CA375563646.
Genomic context (GRCh38, chr9:136,432,574, plus strand): 5'-TTTCTGGGCAGGACCAGGGCTTGTACAGTCCTGGTGTAGTCCAGCAGCCGCTCCGCCACC[T>C]TCCCGTCACCTGCTGTGGGAACAGAAATGGGGTAGGGACCACAGGGTTCCGGATGCTCGA-3'
Protein context (NP_063945.2, residues 421-441): ITSHFTSGDG[Lys431Arg]VAERLLDYTR

ClinVar aggregate classification (germline): Uncertain significance (1 of 4 stars; one submission).

Conditions:
Joubert syndrome. Also called: CEREBELLOPARENCHYMAL DISORDER IV; JOUBERT-BOLTSHAUSER SYNDROME; Familial aplasia of the vermis. Identifiers: Orphanet 475, MedGen C5979921, MONDO:0018772.

Allele frequency attached by ClinVar (database versions not stated): gnomAD exomes below 0.00001; TOPMed below 0.00001.
gnomAD v4.1: 1 of 1,548,144 alleles (0.000065%); highest among the groups gnomAD compares: African/African-American, 0.0014%; no homozygotes.

Submission:

Labcorp Genetics (formerly Invitae), Labcorp
Classification: Uncertain significance for Joubert syndrome. Last evaluated: 2022-04-18. Review status: criteria provided, single submitter. Criteria: Invitae Variant Classification Sherloc (09022015). Collection method: clinical testing. Allele origin: germline.
Comment: This sequence change replaces lysine, which is basic and polar, with arginine, which is basic and polar, at codon 431 of the INPP5E protein (p.Lys431Arg). The frequency data for this variant in the population databases is considered unreliable, as metrics indicate poor data quality at this position in the gnomAD database. This variant has not been reported in the literature in individuals affected with INPP5E-related conditions. Advanced modeling of protein sequence and biophysical properties (such as structural, functional, and spatial information, amino acid conservation, physicochemical variation, residue mobility, and thermodynamic stability) performed at Invitae indicates that this missense variant is expected to disrupt INPP5E protein function. In summary, the available evidence is currently insufficient to determine the role of this variant in disease. Therefore, it has been classified as a Variant of Uncertain Significance.